The following is an entry in ClinVar:

ClinVar aggregate classification (germline): Uncertain significance (1 of 4 stars; one submission).

Conditions:
Inborn genetic diseases. Identifiers: MedGen C0950123, MeSH D030342.

Submission:

Ambry Genetics
Classification: Uncertain significance for Inborn genetic diseases. Last evaluated: 2025-04-12. Review status: criteria provided, single submitter. Criteria: Ambry Variant Classification Scheme 2023. Collection method: clinical testing. Allele origin: germline.
Comment: The p.V226A variant (also known as c.677T>C), located in coding exon 4 of the ERCC6L2 gene, results from a T to C substitution at nucleotide position 677. The valine at codon 226 is replaced by alanine, an amino acid with similar properties. This amino acid position is conserved. In addition, the in silico prediction for this alteration is inconclusive. Based on the available evidence, the clinical significance of this variant remains unclear.

NM_020207.7(ERCC6L2):c.677T>C (p.Val226Ala)

Gene: ERCC6L2 (ERCC excision repair 6 like 2; plus strand). Cytogenetic location: 9q22.32.
Variant type: single nucleotide variant.
Coding change: c.677T>C on transcript NM_020207.7 (MANE Select); coding-DNA position 677, T replaced by C.
Protein change: p.Val226Ala; replaces valine 226 with alanine.
Molecular consequence: missense variant. On other transcripts: non-coding transcript variant (1).
Genome position (GRCh38, 1-based): chr9:95,907,160, T>C. VCF-style: chr9-95907160-T-C. GRCh37 (hg19) VCF-style: chr9-98669442-T-C.
Other names: c.677T>C, p.Val226Ala (NM_001010895.4, NM_001375291.1, NM_001375292.1 and 2 more transcripts); short protein forms V226A.
Identifiers: ClinVar variation 4019309 (VCV004019309.1).